The following is an entry in ClinVar:

NM_004839.4(HOMER2):c.442A>C (p.Asn148His)

Gene: HOMER2 (homer scaffold protein 2; minus strand). Cytogenetic location: 15q25.2.
Variant type: single nucleotide variant.
Coding change: c.442A>C on transcript NM_004839.4 (MANE Select); coding-DNA position 442, A replaced by C.
Protein change: p.Asn148His; replaces asparagine 148 with histidine.
Molecular consequence: missense variant.
Genome position (GRCh38, 1-based): chr15:82,859,081, T>G on the plus strand (A>C on the coding strand, the complement: HOMER2 is on the minus strand). VCF-style: chr15-82859081-T-G. GRCh37 (hg19) VCF-style: chr15-83527833-T-G.
Other names: c.475A>C, p.Asn159His (NM_199330.3); short protein forms N148H, N159H.
Identifiers: ClinVar variation 4975187 (VCV004975187.1).

ClinVar aggregate classification (germline): Uncertain significance (1 of 4 stars; one submission).

gnomAD v4.1: 1 of 1,613,888 alleles (0.000062%); highest among the groups gnomAD compares: East Asian, 0.0022%; no homozygotes.

Submission:

GeneDx
Classification: Uncertain significance. Last evaluated: 2025-09-25. Review status: criteria provided, single submitter. Criteria: GeneDx Variant Classification Process June 2021. Collection method: clinical testing. Allele origin: germline.
Comment: In silico analysis suggests that this missense variant does not alter protein structure/function; Has not been previously published as pathogenic or benign to our knowledge; Variants in candidate genes are classified as variants of uncertain significance in accordance with ACMG guidelines (PMID: 25741868)